The following is an entry in ClinVar:

ClinVar aggregate classification (germline): Benign (1 of 4 stars; one submission).

Conditions:
Neurofibromatosis, type 1 (NF1). Also called: VON RECKLINGHAUSEN DISEASE; NEUROFIBROMATOSIS, TYPE I, SOMATIC; Peripheral type neurofibromatosis; Neurofibromatosis, type I. Identifiers: Orphanet 636, MedGen C0027831, MONDO:0018975, OMIM 162200. Disease mechanism: loss of function.

Submission:

Myriad Genetics, Inc.
Classification: Benign for Neurofibromatosis, type 1. Last evaluated: 2026-05-15. Review status: criteria provided, single submitter. Criteria: Myriad Autosomal Dominant, Autosomal Recessive and X-Linked Classification Criteria (2023). Collection method: clinical testing. Allele origin: unknown.
Comment: This variant is considered benign. This variant is a silent/synonymous amino acid change and it is not expected to impact splicing.

NM_001042492.3(NF1):c.1104T>C (p.Ser368=)

Gene: NF1 (neurofibromin 1; plus strand). Cytogenetic location: 17q11.2.
Variant type: single nucleotide variant.
Coding change: c.1104T>C on transcript NM_001042492.3 (MANE Select); coding-DNA position 1104, T replaced by C.
Protein change: p.Ser368=; no amino-acid change (serine 368 retained).
Molecular consequence: synonymous variant.
Genome position (GRCh38, 1-based): chr17:31,201,078, T>C. VCF-style: chr17-31201078-T-C. GRCh37 (hg19) VCF-style: chr17-29528096-T-C.
Other names: c.1104T>C, p.Ser368= (NM_000267.4, NM_001128147.3).
Identifiers: ClinVar variation 4876168 (VCV004876168.1).